The following is an entry in ClinVar:

ClinVar aggregate classification (germline): Uncertain significance. Review status: criteria provided, multiple submitters, no conflicts (2 of 4 stars). 2 submissions from 2 submitters: Uncertain significance (2). Last evaluated 2024-04-30.

Conditions:
Inborn genetic diseases. Identifiers: MedGen C0950123, MeSH D030342.

Allele frequency attached by ClinVar (database versions not stated): TOPMed below 0.00001.

Submissions (2):

Labcorp Genetics (formerly Invitae), Labcorp
Classification: Uncertain significance. Last evaluated: 2024-04-30. Review status: criteria provided, single submitter. Criteria: Invitae Variant Classification Sherloc (09022015). Collection method: clinical testing. Allele origin: germline.
Comment: This sequence change replaces alanine, which is neutral and non-polar, with glycine, which is neutral and non-polar, at codon 853 of the TCF20 protein (p.Ala853Gly). This variant is not present in population databases (gnomAD no frequency). This variant has not been reported in the literature in individuals affected with TCF20-related conditions. ClinVar contains an entry for this variant (Variation ID: 2271824). An algorithm developed to predict the effect of missense changes on protein structure and function (PolyPhen-2) suggests that this variant is likely to be tolerated. In summary, the available evidence is currently insufficient to determine the role of this variant in disease. Therefore, it has been classified as a Variant of Uncertain Significance.

Ambry Genetics
Classification: Uncertain significance for Inborn genetic diseases. Last evaluated: 2022-01-18. Review status: criteria provided, single submitter. Criteria: Ambry Variant Classification Scheme 2023. Collection method: clinical testing. Allele origin: germline.

NM_001378418.1(TCF20):c.2558C>G (p.Ala853Gly)

Gene: TCF20 (transcription factor 20; minus strand). Cytogenetic location: 22q13.2.
Variant type: single nucleotide variant.
Coding change: c.2558C>G on transcript NM_001378418.1 (MANE Select); coding-DNA position 2558, C replaced by G.
Protein change: p.Ala853Gly; replaces alanine 853 with glycine.
Molecular consequence: missense variant.
Genome position (GRCh38, 1-based): chr22:42,212,748, G>C on the plus strand (C>G on the coding strand, the complement: TCF20 is on the minus strand). VCF-style: chr22-42212748-G-C. GRCh37 (hg19) VCF-style: chr22-42608754-G-C.
Other names: c.2558C>G, p.Ala853Gly (NM_005650.4, NM_181492.3); short protein forms A853G.
Identifiers: ClinVar variation 2271824 (VCV002271824.4), dbSNP rs1921131955, ClinGen allele CA411788384.